The following is an entry in ClinVar:

ClinVar aggregate classification (germline): Uncertain significance (1 of 4 stars; one submission).

Submission:

Labcorp Genetics (formerly Invitae), Labcorp
Classification: Uncertain significance. Last evaluated: 2024-04-18. Review status: criteria provided, single submitter. Criteria: Invitae Variant Classification Sherloc (09022015). Collection method: clinical testing. Allele origin: germline.
Comment: This sequence change falls in intron 2 of the GNA11 gene. It does not directly change the encoded amino acid sequence of the GNA11 protein. This variant is not present in population databases (gnomAD no frequency). This variant has not been reported in the literature in individuals affected with GNA11-related conditions. Algorithms developed to predict the effect of sequence changes on RNA splicing suggest that this variant may disrupt the consensus splice site. In summary, the available evidence is currently insufficient to determine the role of this variant in disease. Therefore, it has been classified as a Variant of Uncertain Significance.

NM_002067.5(GNA11):c.322-18C>G

Gene: GNA11 (G protein subunit alpha 11; plus strand). Cytogenetic location: 19p13.3.
Variant type: single nucleotide variant.
Coding change: c.322-18C>G on transcript NM_002067.5 (MANE Select); 18 bases into the intron before coding-DNA position 322, C replaced by G.
Molecular consequence: intron variant.
Genome position (GRCh38, 1-based): chr19:3,113,312, C>G. VCF-style: chr19-3113312-C-G. GRCh37 (hg19) VCF-style: chr19-3113310-C-G.
Identifiers: ClinVar variation 3650312 (VCV003650312.2).